The following is an entry in ClinVar:

NM_001134673.4(NFIA):c.325G>C (p.Asp109His)

Gene: NFIA (nuclear factor I A; plus strand). Cytogenetic location: 1p31.3.
Variant type: single nucleotide variant.
Coding change: c.325G>C on transcript NM_001134673.4 (MANE Select); coding-DNA position 325, G replaced by C.
Protein change: p.Asp109His; replaces aspartic acid 109 with histidine.
Molecular consequence: missense variant.
Genome position (GRCh38, 1-based): chr1:61,088,446, G>C. VCF-style: chr1-61088446-G-C. GRCh37 (hg19) VCF-style: chr1-61554118-G-C.
Other names: c.301G>C, p.Asp101His (NM_001145511.2); c.460G>C, p.Asp154His (NM_001145512.2); c.325G>C, p.Asp109His (NM_005595.5); short protein forms D101H, D109H, D154H.
Identifiers: ClinVar variation 3381345 (VCV003381345.1).

ClinVar aggregate classification (germline): Uncertain significance (1 of 4 stars; one submission).

Submission:

GeneDx
Classification: Uncertain significance. Last evaluated: 2024-05-23. Review status: criteria provided, single submitter. Criteria: GeneDx Variant Classification Process June 2021. Collection method: clinical testing. Allele origin: germline. Affected: yes.
Comment: Not observed at significant frequency in large population cohorts (gnomAD); In silico analysis supports that this missense variant has a deleterious effect on protein structure/function; Has not been previously published as pathogenic or benign to our knowledge